The following is an entry in ClinVar:

NM_152564.5(VPS13B):c.11641C>T (p.Gln3881Ter)

Gene: VPS13B (vacuolar protein sorting 13 homolog B; plus strand). Cytogenetic location: 8q22.2.
Variant type: single nucleotide variant.
Coding change: c.11641C>T on transcript NM_152564.5 (MANE Select); coding-DNA position 11641, C replaced by T.
Protein change: p.Gln3881Ter; replaces glutamine 3881 with a stop codon.
Molecular consequence: nonsense.
Genome position (GRCh38, 1-based): chr8:99,871,593, C>T. VCF-style: chr8-99871593-C-T. GRCh37 (hg19) VCF-style: chr8-100883821-C-T.
Other names: c.11716C>T, p.Gln3906Ter (NM_017890.5); short protein forms Q3881*, Q3906*.
Identifiers: ClinVar variation 3254935 (VCV003254935.1), dbSNP rs2492377397.

ClinVar aggregate classification (germline): Pathogenic (1 of 4 stars; one submission).

Conditions:
Cohen syndrome (COH1). Also called: Cutis verticis gyrata, retinitis pigmentosa, and sensorineural deafness; PEPPER SYNDROME. Identifiers: Orphanet 193, MedGen C0265223, MONDO:0008999, OMIM 216550.

Submission:

Victorian Clinical Genetics Services, Murdoch Childrens Research Institute
Classification: Pathogenic for Cohen syndrome. Last evaluated: 2023-12-21. Review status: criteria provided, single submitter. Criteria: ACMG Guidelines, 2015. Collection method: clinical testing. Allele origin: germline. Inheritance: Autosomal recessive inheritance. Affected: yes.
Comment: Based on the classification scheme VCGS_Germline_v1.3.4, this variant is classified as Pathogenic. Following criteria are met: 0102 - Loss of function is a known mechanism of disease in this gene and is associated with Cohen syndrome (MIM#216550). (I) 0106 - This gene is associated with autosomal recessive disease. (I) 0201 - Variant is predicted to cause nonsense-mediated decay (NMD) and loss of protein (premature termination codon is located at least 54 nucleotides upstream of the final exon-exon junction). (SP) 0251 - This variant is heterozygous. (I) 0301 - Variant is absent from gnomAD (both v2 and v3). (SP) 0701 - Other NMD predicted variants comparable to the one identified in this case have very strong previous evidence for pathogenicity (DECIPHER). (SP) 0807 - This variant has no previous evidence of pathogenicity. (I) 0905 - No published segregation evidence has been identified for this variant. (I) 1007 - No published functional evidence has been identified for this variant. (I) Legend: (SP) - Supporting pathogenic, (I) - Information, (SB) - Supporting benign